The following is an entry in ClinVar:

ClinVar aggregate classification (germline): Uncertain significance. Review status: criteria provided, multiple submitters, no conflicts (2 of 4 stars). 2 submissions from 2 submitters: Uncertain significance (2). Last evaluated 2022-09-10.

Conditions:
Familial adenomatous polyposis 1 (FAP1). Also called: POLYPOSIS, ADENOMATOUS INTESTINAL; FAMILIAL ADENOMATOUS POLYPOSIS 1, ATTENUATED. Identifiers: MedGen C2713442, MONDO:0021056, OMIM 175100. Disease mechanism: loss of function.

Submissions (2):

Labcorp Genetics (formerly Invitae), Labcorp
Classification: Uncertain significance for Familial adenomatous polyposis 1. Last evaluated: 2022-09-10. Review status: criteria provided, single submitter. Criteria: Invitae Variant Classification Sherloc (09022015). Collection method: clinical testing. Allele origin: germline.
Comment: In summary, the available evidence is currently insufficient to determine the role of this variant in disease. Therefore, it has been classified as a Variant of Uncertain Significance. This sequence change replaces aspartic acid, which is acidic and polar, with glycine, which is neutral and non-polar, at codon 1484 of the APC protein (p.Asp1484Gly). This variant is not present in population databases (gnomAD no frequency). This variant has not been reported in the literature in individuals affected with APC-related conditions. ClinVar contains an entry for this variant (Variation ID: 1320783). Advanced modeling of protein sequence and biophysical properties (such as structural, functional, and spatial information, amino acid conservation, physicochemical variation, residue mobility, and thermodynamic stability) performed at Invitae indicates that this missense variant is not expected to disrupt APC protein function.

GeneDx
Classification: Uncertain significance. Last evaluated: 2020-11-18. Review status: criteria provided, single submitter. Criteria: GeneDx Variant Classification Process June 2021. Collection method: clinical testing. Allele origin: germline. Affected: yes.
Comment: Not observed in large population cohorts (Lek et al., 2016); In silico analysis supports that this missense variant has a deleterious effect on protein structure/function; Has not been previously published as pathogenic or benign to our knowledge

NM_000038.6(APC):c.4451A>G (p.Asp1484Gly)

Gene: APC (APC regulator of Wnt signaling pathway; plus strand). Cytogenetic location: 5q22.2.
Variant type: single nucleotide variant.
Coding change: c.4451A>G on transcript NM_000038.6 (MANE Select); coding-DNA position 4451, A replaced by G.
Protein change: p.Asp1484Gly; replaces aspartic acid 1484 with glycine.
Molecular consequence: missense variant.
Genome position (GRCh38, 1-based): chr5:112,840,045, A>G. VCF-style: chr5-112840045-A-G. GRCh37 (hg19) VCF-style: chr5-112175742-A-G.
Other names: c.4451A>G, p.Asp1484Gly (NM_001127510.3, NM_001354895.2); c.4397A>G, p.Asp1466Gly (NM_001127511.3); c.4505A>G, p.Asp1502Gly (NM_001354896.2); c.4481A>G, p.Asp1494Gly (NM_001354897.2); c.4376A>G, p.Asp1459Gly (NM_001354898.2); c.4367A>G, p.Asp1456Gly (NM_001354899.2); c.4328A>G, p.Asp1443Gly (NM_001354900.2); c.4274A>G, p.Asp1425Gly (NM_001354901.2); and 5 more; short protein forms D1201G, D1324G, D1358G, D1383G, D1393G, D1425G, D1443G, D1456G.
Identifiers: ClinVar variation 1320783 (VCV001320783.6), dbSNP rs895694427, ClinGen allele CA16031073.